The following is an entry in ClinVar:

NM_052874.5(STX1B):c.463+4C>A

Gene: STX1B (syntaxin 1B; minus strand). Cytogenetic location: 16p11.2.
Variant type: single nucleotide variant.
Coding change: c.463+4C>A on transcript NM_052874.5 (MANE Select); 4 bases into the intron after coding-DNA position 463, C replaced by A.
Molecular consequence: intron variant.
Genome position (GRCh38, 1-based): chr16:30,996,947, G>T on the plus strand (C>A on the coding strand, the complement: STX1B is on the minus strand). VCF-style: chr16-30996947-G-T. GRCh37 (hg19) VCF-style: chr16-31008268-G-T.
Identifiers: ClinVar variation 860755 (VCV000860755.9), dbSNP rs367710164, ClinGen allele CA8018372.
Genomic context (GRCh38, chr16:30,996,947, plus strand): 5'-TGCCTGGAAGGGGGCTTGGGCAGCCTCAAGGAGTTCGGGGTCCTGGGGTGGGGGGCACAC[G>T]CACTGATCTCCAGTTGCCGCTGGATCCGGTCCTTGCAGCGGTCCCGGTACTTGGACTGGG-3'

ClinVar aggregate classification (germline): Uncertain significance (1 of 4 stars; one submission).

Conditions:
Generalized epilepsy with febrile seizures plus, type 9 (GEFSP9). Also called: GEFS+, TYPE 9. Identifiers: Orphanet 36387, MedGen C4015395, MONDO:0014517, OMIM 616172.

Allele frequency attached by ClinVar (database versions not stated): gnomAD exomes below 0.00001; TOPMed below 0.00001; ExAC 0.00001; gnomAD 0.00001; ESP Exome Variant Server 0.00008.
gnomAD v4.1: 3 of 1,610,654 alleles (0.00019%); highest among the groups gnomAD compares: Non-Finnish European, 0.00025%; no homozygotes.

Submission:

Labcorp Genetics (formerly Invitae), Labcorp
Classification: Uncertain significance for Generalized epilepsy with febrile seizures plus, type 9. Last evaluated: 2019-12-15. Review status: criteria provided, single submitter. Criteria: Invitae Variant Classification Sherloc (09022015). Collection method: clinical testing. Allele origin: germline.
Comment: In summary, the available evidence is currently insufficient to determine the role of this variant in disease. Therefore, it has been classified as a Variant of Uncertain Significance. Nucleotide substitutions within the consensus splice site are a relatively common cause of aberrant splicing (PMID: 17576681, 9536098). Algorithms developed to predict the effect of sequence changes on RNA splicing suggest that this variant may create or strengthen a splice site, but this prediction has not been confirmed by published transcriptional studies. This variant has not been reported in the literature in individuals with STX1B-related conditions. This variant is present in population databases (rs367710164, ExAC 0.002%). This sequence change falls in intron 6 of the STX1B gene. It does not directly change the encoded amino acid sequence of the STX1B protein, but it affects a nucleotide within the consensus splice site of the intron.

Literature cited by the submitters: PubMed 17576681; PubMed 9536098.